The following is an entry in ClinVar:

NM_001018005.2(TPM1):c.810C>G (p.Ile270Met)

Gene: TPM1 (tropomyosin 1; plus strand). Cytogenetic location: 15q22.2.
Variant type: single nucleotide variant.
Coding change: c.810C>G on transcript NM_001018005.2 (MANE Select); coding-DNA position 810, C replaced by G.
Protein change: p.Ile270Met; replaces isoleucine 270 with methionine.
Molecular consequence: missense variant. On other transcripts: 3 prime UTR variant (3), non-coding transcript variant (7), intron variant (18).
Genome position (GRCh38, 1-based): chr15:63,064,101, C>G. VCF-style: chr15-63064101-C-G. GRCh37 (hg19) VCF-style: chr15-63356300-C-G.
Other names: c.*1292C>G (NM_001407341.1, NM_001407325.1, NM_001407340.1); c.702C>G, p.Ile234Met (NM_001407344.1, NM_001330346.2, NM_001365781.2 and 1 more transcripts); c.898+1456C>G (NM_001365778.1); c.772+1456C>G (NM_001407336.1, NM_001018020.2, NM_001407338.1 and 8 more transcripts); c.810C>G, p.Ile270Met (NM_000366.6, NM_001301244.2, NM_001365779.1 and 8 more transcripts); c.936C>G, p.Ile312Met (NM_001407322.1, NM_001407323.1, NM_001407324.1); c.664+1456C>G (NM_001330351.2, NM_001330344.2, NM_001018008.2 and 3 more transcripts); short protein forms I270M, I312M, I234M.
Identifiers: ClinVar variation 2842476 (VCV002842476.3), dbSNP rs2542883171, ClinGen allele CA392725145.

ClinVar aggregate classification (germline): Uncertain significance (1 of 4 stars; one submission).

Conditions:
Hypertrophic cardiomyopathy. Also called: HYPERTROPHIC MYOCARDIOPATHY. Identifiers: Orphanet 217569, MedGen C0007194, MeSH D002312, MONDO:0005045, HP:0001639.

Submission:

Labcorp Genetics (formerly Invitae), Labcorp
Classification: Uncertain significance for Hypertrophic cardiomyopathy. Last evaluated: 2023-03-03. Review status: criteria provided, single submitter. Criteria: Invitae Variant Classification Sherloc (09022015). Collection method: clinical testing. Allele origin: germline.
Comment: This sequence change replaces isoleucine, which is neutral and non-polar, with methionine, which is neutral and non-polar, at codon 270 of the TPM1 protein (p.Ile270Met). This variant is not present in population databases (gnomAD no frequency). This variant has not been reported in the literature in individuals affected with TPM1-related conditions. An algorithm developed to predict the effect of missense changes on protein structure and function (PolyPhen-2) suggests that this variant is likely to be tolerated. In summary, the available evidence is currently insufficient to determine the role of this variant in disease. Therefore, it has been classified as a Variant of Uncertain Significance.